The following is an entry in ClinVar:

ClinVar aggregate classification (germline): Likely benign (1 of 4 stars; one submission).

gnomAD v4.1: 44 of 398,540 alleles (0.011%); highest among the groups gnomAD compares: Non-Finnish European, 0.015%; no homozygotes.

Submission:

CeGaT Center for Human Genetics Tuebingen
Classification: Likely benign. Last evaluated: 2025-08-01. Review status: criteria provided, single submitter. Criteria: CeGaT Center For Human Genetics Tuebingen Variant Classification Criteria Version 2. Collection method: clinical testing. Allele origin: germline. Affected: yes. Observed: 1 variant allele.
Comment: KCNQ1OT1: BS2

NM_000218.3(KCNQ1):c.1514+25803C>T

Genes: KCNQ1 (potassium voltage-gated channel subfamily Q member 1; plus strand), KCNQ1OT1 (KCNQ1 opposite strand/antisense transcript 1; minus strand). Cytogenetic location: 11p15.5.
Variant type: single nucleotide variant.
Coding change: c.1514+25803C>T on transcript NM_000218.3 (MANE Select); 25803 bases into the intron after coding-DNA position 1514, C replaced by T.
Molecular consequence: intron variant. On other transcripts: non-coding transcript variant (1).
Genome position (GRCh38, 1-based): chr11:2,687,884, C>T. VCF-style: chr11-2687884-C-T. GRCh37 (hg19) VCF-style: chr11-2709114-C-T.
Other names: c.1244+25803C>T (NM_001406837.1); c.1418+25803C>T (NM_001406836.1); c.974+25803C>T (NM_001406838.1); c.1133+25803C>T (NM_181798.2).
Identifiers: ClinVar variation 4083963 (VCV004083963.8).
Genomic context (GRCh38, chr11:2,687,884, plus strand): 5'-TGGCTCCAGGCCAAACTCTGGTTCCTGAGGAGCCTCAAAGGCTGGACTTGGGGTGTCCCG[C>T]GGAAATCCTGGTGGGATGGAAAATCCCCAGCAGTTGTGAGGCTGCACTTCTCCCACCCGC-3'